The following is an entry in ClinVar:

NM_001440.4(EXTL3):c.1588G>A (p.Val530Met)

Gene: EXTL3 (exostosin like glycosyltransferase 3; plus strand). Cytogenetic location: 8p21.1.
Variant type: single nucleotide variant.
Coding change: c.1588G>A on transcript NM_001440.4 (MANE Select); coding-DNA position 1588, G replaced by A.
Protein change: p.Val530Met; replaces valine 530 with methionine.
Molecular consequence: missense variant.
Genome position (GRCh38, 1-based): chr8:28,717,647, G>A. VCF-style: chr8-28717647-G-A. GRCh37 (hg19) VCF-style: chr8-28575164-G-A.
Other names: short protein forms V530M.
Identifiers: ClinVar variation 2176487 (VCV002176487.1), dbSNP rs138950489, ClinGen allele CA4696248.
Genomic context (GRCh38, chr8:28,717,647, plus strand): 5'-CGGCAAGGCCGCTTTCTCTGGGAGACTTACTTCTCCACTGCTGACAGTATTTTTAATACC[G>A]TGCTGGCTATGATTAGGACTCGCATCCAGATCCCAGCCGCTCCCATCCGGGAAGAGGCGG-3'
Protein context (NP_001431.1, residues 520-540): FSTADSIFNT[Val530Met]LAMIRTRIQI

ClinVar aggregate classification (germline): Uncertain significance (1 of 4 stars; one submission).

Allele frequency attached by ClinVar (database versions not stated): gnomAD 0.00003; gnomAD exomes 0.00003; ExAC 0.00008; ESP Exome Variant Server 0.00008.

Submission:

Labcorp Genetics (formerly Invitae), Labcorp
Classification: Uncertain significance. Last evaluated: 2022-08-21. Review status: criteria provided, single submitter. Criteria: Invitae Variant Classification Sherloc (09022015). Collection method: clinical testing. Allele origin: germline.
Comment: This sequence change replaces valine, which is neutral and non-polar, with methionine, which is neutral and non-polar, at codon 530 of the EXTL3 protein (p.Val530Met). This variant is present in population databases (rs138950489, gnomAD 0.05%). This variant has not been reported in the literature in individuals affected with EXTL3-related conditions. Algorithms developed to predict the effect of missense changes on protein structure and function output the following: SIFT: "Deleterious"; PolyPhen-2: "Benign"; Align-GVGD: "Class C0". The methionine amino acid residue is found in multiple mammalian species, which suggests that this missense change does not adversely affect protein function. In summary, the available evidence is currently insufficient to determine the role of this variant in disease. Therefore, it has been classified as a Variant of Uncertain Significance.